The following is an entry in ClinVar:

ClinVar aggregate classification (germline): Uncertain significance (1 of 4 stars; one submission).

Allele frequency attached by ClinVar (database versions not stated): gnomAD exomes below 0.00001.
gnomAD v4.1: 4 of 1,613,434 alleles (0.00025%); highest among the groups gnomAD compares: Non-Finnish European, 0.00034%; no homozygotes.

Submission:

Labcorp Genetics (formerly Invitae), Labcorp
Classification: Uncertain significance. Last evaluated: 2022-10-04. Review status: criteria provided, single submitter. Criteria: Invitae Variant Classification Sherloc (09022015). Collection method: clinical testing. Allele origin: germline.
Comment: This sequence change replaces arginine, which is basic and polar, with glycine, which is neutral and non-polar, at codon 783 of the ADGRV1 protein (p.Arg783Gly). This variant is present in population databases (no rsID available, gnomAD 0.0009%). This variant has not been reported in the literature in individuals affected with ADGRV1-related conditions. ClinVar contains an entry for this variant (Variation ID: 1415296). Advanced modeling of protein sequence and biophysical properties (such as structural, functional, and spatial information, amino acid conservation, physicochemical variation, residue mobility, and thermodynamic stability) performed at Invitae indicates that this missense variant is not expected to disrupt ADGRV1 protein function. In summary, the available evidence is currently insufficient to determine the role of this variant in disease. Therefore, it has been classified as a Variant of Uncertain Significance.

NM_032119.4(ADGRV1):c.2347A>G (p.Arg783Gly)

Gene: ADGRV1 (adhesion G protein-coupled receptor V1; plus strand). Cytogenetic location: 5q14.3.
Variant type: single nucleotide variant.
Coding change: c.2347A>G on transcript NM_032119.4 (MANE Select); coding-DNA position 2347, A replaced by G.
Protein change: p.Arg783Gly; replaces arginine 783 with glycine.
Molecular consequence: missense variant. On other transcripts: non-coding transcript variant (1).
Genome position (GRCh38, 1-based): chr5:90,642,742, A>G. VCF-style: chr5-90642742-A-G. GRCh37 (hg19) VCF-style: chr5-89938559-A-G.
Other names: short protein forms R783G.
Identifiers: ClinVar variation 1415296 (VCV001415296.5), dbSNP rs1242060957, ClinGen allele CA360387563.
Genomic context (GRCh38, chr5:90,642,742, plus strand): 5'-GACCTAATTATTTTGGAAAATGATGACCCTGGGGGAGTTTTTGAATTTTCTCCTGCTTCC[A>G]GAGGACCCTATGTTATAAAAGTAAGTACGAAAAAAACTTCCATTTATTCTGTGCTCACAA-3'
Protein context (NP_115495.3, residues 773-793): GGVFEFSPAS[Arg783Gly]GPYVIKEGES